The following is an entry in ClinVar:

NM_004385.5(VCAN):c.5573A>G (p.Tyr1858Cys)

Genes: VCAN (versican; plus strand), VCAN-AS1 (VCAN antisense RNA 1; minus strand). Cytogenetic location: 5q14.3.
Variant type: single nucleotide variant.
Coding change: c.5573A>G on transcript NM_004385.5 (MANE Select); coding-DNA position 5573, A replaced by G.
Protein change: p.Tyr1858Cys; replaces tyrosine 1858 with cysteine.
Molecular consequence: missense variant. On other transcripts: intron variant (2).
Genome position (GRCh38, 1-based): chr5:83,538,576, A>G. VCF-style: chr5-83538576-A-G. GRCh37 (hg19) VCF-style: chr5-82834395-A-G.
Other names: c.5573A>G (NM_004385.4); c.2612A>G, p.Tyr871Cys (NM_001164097.2); c.4004-6961A>G (NM_001164098.2); c.1043-6961A>G (NM_001126336.3); short protein forms Y871C, Y1858C.
Identifiers: ClinVar variation 1519772 (VCV001519772.9), dbSNP rs746563587, ClinGen allele CA3333348.

ClinVar aggregate classification (germline): Uncertain significance. Review status: criteria provided, multiple submitters, no conflicts (2 of 4 stars). 2 submissions from 2 submitters: Uncertain significance (2). Last evaluated 2025-02-08.

Conditions:
Inborn genetic diseases. Identifiers: MedGen C0950123, MeSH D030342.

Allele frequency attached by ClinVar (database versions not stated): gnomAD exomes below 0.00001; ExAC 0.00001; gnomAD 0.00001.
gnomAD v4.1: 8 of 1,613,898 alleles (0.0005%); highest among the groups gnomAD compares: Non-Finnish European, 0.00068%; no homozygotes.

Submissions (2):

Ambry Genetics
Classification: Uncertain significance for Inborn genetic diseases. Last evaluated: 2025-02-08. Review status: criteria provided, single submitter. Criteria: Ambry Variant Classification Scheme 2023. Collection method: clinical testing. Allele origin: germline.

Labcorp Genetics (formerly Invitae), Labcorp
Classification: Uncertain significance. Last evaluated: 2021-03-25. Review status: criteria provided, single submitter. Criteria: Invitae Variant Classification Sherloc (09022015). Collection method: clinical testing. Allele origin: germline.
Comment: In summary, the available evidence is currently insufficient to determine the role of this variant in disease. Therefore, it has been classified as a Variant of Uncertain Significance. Algorithms developed to predict the effect of missense changes on protein structure and function (SIFT, PolyPhen-2, Align-GVGD) all suggest that this variant is likely to be tolerated, but these predictions have not been confirmed by published functional studies and their clinical significance is uncertain. This variant has not been reported in the literature in individuals with VCAN-related conditions. This variant is present in population databases (rs746563587, ExAC 0.002%). This sequence change replaces tyrosine with cysteine at codon 1858 of the VCAN protein (p.Tyr1858Cys). The tyrosine residue is weakly conserved and there is a large physicochemical difference between tyrosine and cysteine.